The following is an entry in ClinVar:

ClinVar aggregate classification (germline): Likely pathogenic (1 of 4 stars; one submission).

Submission:

GeneDx
Classification: Likely pathogenic. Last evaluated: 2022-02-07. Review status: criteria provided, single submitter. Criteria: GeneDx Variant Classification Process June 2021. Collection method: clinical testing. Allele origin: germline. Affected: yes.
Comment: Not observed at significant frequency in large population cohorts (gnomAD); In silico analysis supports that this missense variant has a deleterious effect on protein structure/function; This variant is associated with the following publications: (PMID: 11167982)

NM_000423.3(KRT2):c.1430T>A (p.Ile477Asn)

Gene: KRT2 (keratin 2; minus strand). Cytogenetic location: 12q13.13.
Variant type: single nucleotide variant.
Coding change: c.1430T>A on transcript NM_000423.3 (MANE Select); coding-DNA position 1430, T replaced by A.
Protein change: p.Ile477Asn; replaces isoleucine 477 with asparagine.
Molecular consequence: missense variant.
Genome position (GRCh38, 1-based): chr12:52,646,779, A>T on the plus strand (T>A on the coding strand, the complement: KRT2 is on the minus strand). VCF-style: chr12-52646779-A-T. GRCh37 (hg19) VCF-style: chr12-53040563-A-T.
Other names: short protein forms I477N.
Identifiers: ClinVar variation 1700990 (VCV001700990.2), dbSNP rs2120939967, ClinGen allele CA384929745.